The following is an entry in ClinVar:

ClinVar aggregate classification (germline): Conflicting classifications of pathogenicity. Review status: criteria provided, conflicting classifications (1 of 4 stars). 2 submissions from 2 submitters: Uncertain significance (1); Likely benign (1). Last evaluated 2024-03-27.

Conditions:
Ataxia-telangiectasia-like disorder (ATLD). Identifiers: MedGen C1858391, MONDO:0011457.
Hereditary cancer-predisposing syndrome. Also called: Hereditary Cancer Syndrome; Hereditary neoplastic syndrome; Neoplastic Syndromes, Hereditary; Tumor predisposition. Identifiers: Orphanet 140162, MedGen C0027672, MeSH D009386, MONDO:0015356.

Allele frequency attached by ClinVar (database versions not stated): gnomAD exomes below 0.00001; gnomAD 0.00001; TOPMed 0.00004.

Submissions (2):

Ambry Genetics
Classification: Likely benign for Hereditary cancer-predisposing syndrome. Last evaluated: 2024-03-27. Review status: criteria provided, single submitter. Criteria: Ambry Variant Classification Scheme 2023. Collection method: clinical testing. Allele origin: germline.

Labcorp Genetics (formerly Invitae), Labcorp
Classification: Uncertain significance for Ataxia-telangiectasia-like disorder. Last evaluated: 2020-10-23. Review status: criteria provided, single submitter. Criteria: Invitae Variant Classification Sherloc (09022015). Collection method: clinical testing. Allele origin: germline.
Comment: This sequence change replaces alanine with threonine at codon 6 of the MRE11A protein (p.Ala6Thr). The alanine residue is weakly conserved and there is a small physicochemical difference between alanine and threonine. In summary, this variant is a novel missense change that is not predicted to affect protein function. There is no indication that it causes disease, but the available evidence is currently insufficient to prove that conclusively. Therefore, it has been classified as a Variant of Uncertain Significance. Algorithms developed to predict the effect of missense changes on protein structure and function output the following: (SIFT: "Tolerated"; PolyPhen-2: "Benign"; Align-GVGD: "Class C0"). The threonine amino acid residue is also found in multiple mammalian species, suggesting that this missense change does not adversely affect protein function. These predictions have not been confirmed by published functional studies. This variant is not present in population databases (ExAC no frequency) and has not been reported in the literature in individuals with a MRE11A-related disease.

NM_005591.4(MRE11):c.16G>A (p.Ala6Thr)

Gene: MRE11 (MRE11 double strand break repair nuclease; minus strand). Cytogenetic location: 11q21.
Variant type: single nucleotide variant.
Coding change: c.16G>A on transcript NM_005591.4 (MANE Select); coding-DNA position 16, G replaced by A.
Protein change: p.Ala6Thr; replaces alanine 6 with threonine.
Molecular consequence: missense variant.
Genome position (GRCh38, 1-based): chr11:94,492,786, C>T on the plus strand (G>A on the coding strand, the complement: MRE11 is on the minus strand). VCF-style: chr11-94492786-C-T. GRCh37 (hg19) VCF-style: chr11-94225952-C-T.
Other names: c.16G>A, p.Ala6Thr (NM_001330347.2, NM_005590.4); short protein forms A6T.
Identifiers: ClinVar variation 407883 (VCV000407883.12), dbSNP rs1060501784, ClinGen allele CA16613710.